The following is an entry in ClinVar:

ClinVar aggregate classification (germline): Uncertain significance (1 of 4 stars; one submission).

Submission:

Women's Health and Genetics/Laboratory Corporation of America, LabCorp
Classification: Uncertain significance. Last evaluated: 2024-05-08. Review status: criteria provided, single submitter. Criteria: LabCorp Variant Classification Summary - May 2015. Collection method: clinical testing. Allele origin: germline.
Comment: Variant summary: TUBB4A c.-649_-317del333 is located in the untranscribed region upstream of the TUBB4A gene region. However, in a different transcripts (NM_001289123.2 and NM_001289127.2), the variant causes the deletion of the first coding. The variant was absent in 123568 control chromosomes in the gnomAD database (Structural Variants v4.0 dataset). The available data on variant occurrences in the general population are insufficient to allow any conclusion about variant significance. To our knowledge, no occurrence of c.-649_-317del333 in individuals affected with Leukodystrophy, Hypomyelinating, 6 and no experimental evidence demonstrating its impact on protein function have been reported. No submitters have cited clinical-significance assessments for this variant to ClinVar. Based on the evidence outlined above, the variant was classified as uncertain significance.

NM_006087.4(TUBB4A):c.-649_-317del333

Genes: TUBB4A (tubulin beta 4A class IVa; minus strand), LOC130063296 (ATAC-STARR-seq lymphoblastoid silent region 9956; plus strand). Cytogenetic location: 19p13.3.
Variant type: Deletion.
Coding change: c.-649_-317del333 on transcript NM_006087.4 (MANE Select); 649 bases upstream of the start codon through 317 bases upstream of the start codon, 333 bases deleted.
Molecular consequence: genic upstream transcript variant.
Genome position (GRCh38, 1-based): chr19:6,502,529-6,502,861, 333 bases deleted. GRCh37 (hg19): chr19:6,502,540-6,502,872.
Identifiers: ClinVar variation 3336098 (VCV003336098.1).